The following is an entry in ClinVar:

NM_001184.4(ATR):c.967G>C (p.Glu323Gln)

Gene: ATR (ATR checkpoint kinase; minus strand). Cytogenetic location: 3q23.
Variant type: single nucleotide variant.
Coding change: c.967G>C on transcript NM_001184.4 (MANE Select); coding-DNA position 967, G replaced by C.
Protein change: p.Glu323Gln; replaces glutamic acid 323 with glutamine.
Molecular consequence: missense variant.
Genome position (GRCh38, 1-based): chr3:142,562,435, C>G on the plus strand (G>C on the coding strand, the complement: ATR is on the minus strand). VCF-style: chr3-142562435-C-G. GRCh37 (hg19) VCF-style: chr3-142281277-C-G.
Other names: c.967G>C, p.Glu323Gln (NM_001354579.2); short protein forms E323Q.
Identifiers: ClinVar variation 1437364 (VCV001437364.6), dbSNP rs771042068, ClinGen allele CA2650700.

ClinVar aggregate classification (germline): Uncertain significance. Review status: criteria provided, multiple submitters, no conflicts (2 of 4 stars). 4 submissions from 3 submitters: Uncertain significance (4). Last evaluated 2023-02-08.

Conditions:
Inborn genetic diseases. Identifiers: MedGen C0950123, MeSH D030342.
Familial cutaneous telangiectasia and oropharyngeal predisposition cancer syndrome. Identifiers: Orphanet 313846, MedGen C3281203, MONDO:0013806, OMIM 614564.
Seckel syndrome 1 (SCKL1). Also called: MICROCEPHALIC PRIMORDIAL DWARFISM I. Identifiers: Orphanet 808, MedGen C4551474, MONDO:0008869, OMIM 210600.

Allele frequency attached by ClinVar (database versions not stated): gnomAD exomes 0.00002; TOPMed 0.00002; ExAC 0.00003.
gnomAD v4.1: 15 of 1,614,108 alleles (0.00093%); highest among the groups gnomAD compares: Middle Eastern, 0.033%; no homozygotes.

Submissions (4):

Genome-Nilou Lab
Classification: Uncertain significance for Seckel syndrome 1. Last evaluated: 2023-02-08. Review status: criteria provided, single submitter. Criteria: ACMG Guidelines, 2015. Collection method: clinical testing. Allele origin: germline.

Genome-Nilou Lab
Classification: Uncertain significance for Familial cutaneous telangiectasia and oropharyngeal predisposition cancer syndrome. Last evaluated: 2023-02-08. Review status: criteria provided, single submitter. Criteria: ACMG Guidelines, 2015. Collection method: clinical testing. Allele origin: germline.

Labcorp Genetics (formerly Invitae), Labcorp
Classification: Uncertain significance. Last evaluated: 2022-12-15. Review status: criteria provided, single submitter. Criteria: Invitae Variant Classification Sherloc (09022015). Collection method: clinical testing. Allele origin: germline.
Comment: This variant is present in population databases (rs771042068, gnomAD 0.005%). This sequence change replaces glutamic acid, which is acidic and polar, with glutamine, which is neutral and polar, at codon 323 of the ATR protein (p.Glu323Gln). This variant has not been reported in the literature in individuals affected with ATR-related conditions. In summary, the available evidence is currently insufficient to determine the role of this variant in disease. Therefore, it has been classified as a Variant of Uncertain Significance. Algorithms developed to predict the effect of missense changes on protein structure and function are either unavailable or do not agree on the potential impact of this missense change (SIFT: "Tolerated"; PolyPhen-2: "Possibly Damaging"; Align-GVGD: "Class C0"). ClinVar contains an entry for this variant (Variation ID: 1437364).

Ambry Genetics
Classification: Uncertain significance for Inborn genetic diseases. Last evaluated: 2021-08-19. Review status: criteria provided, single submitter. Criteria: Ambry Variant Classification Scheme 2023. Collection method: clinical testing. Allele origin: germline.
Comment: The p.E323Q variant (also known as c.967G>C), located in coding exon 4 of the ATR gene, results from a G to C substitution at nucleotide position 967. The glutamic acid at codon 323 is replaced by glutamine, an amino acid with highly similar properties. This amino acid position is conserved. In addition, this alteration is predicted to be tolerated by in silico analysis. Since supporting evidence is limited at this time, the clinical significance of this alteration remains unclear.